The following is an entry in ClinVar:

ClinVar aggregate classification (germline): Benign. Review status: criteria provided, multiple submitters, no conflicts (2 of 4 stars). 3 submissions from 3 submitters: Benign (2). 1 of the submissions does not count toward it. Last evaluated 2013-10-24.

Allele frequency attached by ClinVar (database versions not stated): 1000 Genomes Project 30x 0.01343; 1000 Genomes Project 0.01418; ExAC 0.03077; ESP Exome Variant Server 0.03245; TOPMed 0.02577; gnomAD exomes 0.03104 and 0.03888; gnomAD 0.03146 and 0.03212.

Submissions (3):

GeneDx
Classification: Benign. Last evaluated: 2013-10-24. Review status: criteria provided, single submitter. Criteria: GeneDx Variant Classification (06012015). Collection method: clinical testing. Allele origin: germline. Affected: yes.
Comment: This variant is considered likely benign or benign based on one or more of the following criteria: it is a conservative change, it occurs at a poorly conserved position in the protein, it is predicted to be benign by multiple in silico algorithms, and/or has population frequency not consistent with disease.

Breakthrough Genomics
Classification: Benign. Review status: criteria provided, single submitter. Criteria: ACMG Guidelines, 2015. Collection method: not provided. Allele origin: germline. Inheritance: Unknown mechanism. Affected: yes.

Mayo Clinic Laboratories, Mayo Clinic
Classification: Likely benign. Last evaluated: 2016-02-22. Review status: no assertion criteria provided. Collection method: clinical testing. Allele origin: unknown. Not counted in ClinVar's aggregate classification.

NM_006351.4(TIMM44):c.1114A>G (p.Ile372Val)

Gene: TIMM44 (translocase of inner mitochondrial membrane 44; minus strand). Cytogenetic location: 19p13.2.
Variant type: single nucleotide variant.
Coding change: c.1114A>G on transcript NM_006351.4 (MANE Select); coding-DNA position 1114, A replaced by G.
Protein change: p.Ile372Val; replaces isoleucine 372 with valine.
Molecular consequence: missense variant.
Genome position (GRCh38, 1-based): chr19:7,928,091, T>C on the plus strand (A>G on the coding strand, the complement: TIMM44 is on the minus strand). VCF-style: chr19-7928091-T-C. GRCh37 (hg19) VCF-style: chr19-7992976-T-C.
Other names: p.I372V:ATT>GTT; short protein forms I372V.
Identifiers: ClinVar variation 137647 (VCV000137647.6), dbSNP rs11542187, ClinGen allele CA291294.